The following is an entry in ClinVar:

ClinVar aggregate classification (germline): Likely benign (1 of 4 stars; one submission).

gnomAD v4.1: 109 of 1,614,090 alleles (0.0068%); highest among the groups gnomAD compares: Non-Finnish European, 0.0085%; no homozygotes.

Submission:

CeGaT Center for Human Genetics Tuebingen
Classification: Likely benign. Last evaluated: 2025-01-01. Review status: criteria provided, single submitter. Criteria: CeGaT Center For Human Genetics Tuebingen Variant Classification Criteria Version 2. Collection method: clinical testing. Allele origin: germline. Affected: yes. Observed: 1 variant allele.
Comment: ZNF142: BP4, BP7

NM_001379659.1(ZNF142):c.3837G>A (p.Pro1279=)

Gene: ZNF142 (zinc finger protein 142; minus strand). Cytogenetic location: 2q35.
Variant type: single nucleotide variant.
Coding change: c.3837G>A on transcript NM_001379659.1 (MANE Select); coding-DNA position 3837, G replaced by A.
Protein change: p.Pro1279=; no amino-acid change (proline 1279 retained).
Molecular consequence: synonymous variant.
Genome position (GRCh38, 1-based): chr2:218,643,279, C>T on the plus strand (G>A on the coding strand, the complement: ZNF142 is on the minus strand). VCF-style: chr2-218643279-C-T. GRCh37 (hg19) VCF-style: chr2-219508002-C-T.
Other names: c.3237G>A, p.Pro1079= (NM_001105537.5, NM_001366291.3, NM_001379662.1); c.2748G>A, p.Pro916= (NM_001366287.3, NM_001366288.3, NM_001366289.3); c.3837G>A, p.Pro1279= (NM_001366290.3, NM_001379660.1, NM_001379661.1).
Identifiers: ClinVar variation 3771624 (VCV003771624.13).
Genomic context (GRCh38, chr2:218,643,279, plus strand): 5'-CTGCTTTTGAACCAGAACTGTATCCCCATCACCAGAGCTGGACTCTGTACTCCCATTCTT[C>T]GGGGGAGCAGAGTCCCCATTGCTCAACGGGGACACATCAGGCTGGGTCTGGGGGGTCCCT-3'
Protein context (NP_001366588.1, residues 1269-1289): SPLSNGDSAP[Pro1279=]KNGSTESSSG